The following is an entry in ClinVar:

NM_005431.2(XRCC2):c.433C>T (p.Leu145Phe)

Gene: XRCC2 (X-ray repair cross complementing 2; minus strand). Cytogenetic location: 7q36.1.
Variant type: single nucleotide variant.
Coding change: c.433C>T on transcript NM_005431.2 (MANE Select); coding-DNA position 433, C replaced by T.
Protein change: p.Leu145Phe; replaces leucine 145 with phenylalanine.
Molecular consequence: missense variant.
Genome position (GRCh38, 1-based): chr7:152,649,052, G>A on the plus strand (C>T on the coding strand, the complement: XRCC2 is on the minus strand). VCF-style: chr7-152649052-G-A. GRCh37 (hg19) VCF-style: chr7-152346137-G-A.
Other names: c.433C>T (NM_005431.1); short protein forms L145F.
Identifiers: ClinVar variation 1378611 (VCV001378611.7), dbSNP rs1060502669, ClinGen allele CA370198707.
Genomic context (GRCh38, chr7:152,649,052, plus strand): 5'-TTTCTCCTCCATTGACGCGGTCTATCCAGTAAAAAGCTGACAGGCTATCCAAAATCAAAA[G>A]GCAGAGAGATGGGTGACTACAAAACATACTTTCTAGTGAGTAAAGTGTAAGAAGTAAGTG-3'
Protein context (NP_005422.1, residues 135-155): SMFCSHPSLC[Leu145Phe]LILDSLSAFY

ClinVar aggregate classification (germline): Uncertain significance. Review status: criteria provided, multiple submitters, no conflicts (2 of 4 stars). 2 submissions from 2 submitters: Uncertain significance (2). Last evaluated 2025-01-10.

Conditions:
Hereditary cancer-predisposing syndrome. Also called: Neoplastic Syndromes, Hereditary; Hereditary Cancer Syndrome; Tumor predisposition; Hereditary neoplastic syndrome. Identifiers: Orphanet 140162, MedGen C0027672, MeSH D009386, MONDO:0015356.

Submissions (2):

Ambry Genetics
Classification: Uncertain significance for Hereditary cancer-predisposing syndrome. Last evaluated: 2025-01-10. Review status: criteria provided, single submitter. Criteria: Ambry Variant Classification Scheme 2023. Collection method: clinical testing. Allele origin: germline.
Comment: The p.L145F variant (also known as c.433C>T), located in coding exon 3 of the XRCC2 gene, results from a C to T substitution at nucleotide position 433. The leucine at codon 145 is replaced by phenylalanine, an amino acid with highly similar properties. This amino acid position is conserved. In addition, this alteration is predicted to be tolerated by in silico analysis. Based on the available evidence, the clinical significance of this variant remains unclear.

Labcorp Genetics (formerly Invitae), Labcorp
Classification: Uncertain significance. Last evaluated: 2025-01-06. Review status: criteria provided, single submitter. Criteria: Invitae Variant Classification Sherloc (09022015). Collection method: clinical testing. Allele origin: germline.
Comment: This sequence change replaces leucine, which is neutral and non-polar, with phenylalanine, which is neutral and non-polar, at codon 145 of the XRCC2 protein (p.Leu145Phe). This variant is not present in population databases (gnomAD no frequency). This variant has not been reported in the literature in individuals affected with XRCC2-related conditions. ClinVar contains an entry for this variant (Variation ID: 1378611). Invitae Evidence Modeling of protein sequence and biophysical properties (such as structural, functional, and spatial information, amino acid conservation, physicochemical variation, residue mobility, and thermodynamic stability) indicates that this missense variant is not expected to disrupt XRCC2 protein function with a negative predictive value of 80%. In summary, the available evidence is currently insufficient to determine the role of this variant in disease. Therefore, it has been classified as a Variant of Uncertain Significance.